The following is an entry in ClinVar:

NM_005188.4(CBL):c.2418T>G (p.Asp806Glu)

Gene: CBL (Cbl proto-oncogene; plus strand). Cytogenetic location: 11q23.3.
Variant type: single nucleotide variant.
Coding change: c.2418T>G on transcript NM_005188.4 (MANE Select); coding-DNA position 2418, T replaced by G.
Protein change: p.Asp806Glu; replaces aspartic acid 806 with glutamic acid.
Molecular consequence: missense variant.
Genome position (GRCh38, 1-based): chr11:119,298,524, T>G. VCF-style: chr11-119298524-T-G. GRCh37 (hg19) VCF-style: chr11-119169234-T-G.
Other names: short protein forms D806E.
Identifiers: ClinVar variation 2845206 (VCV002845206.3), dbSNP rs2496974114, ClinGen allele CA382930386.
Genomic context (GRCh38, chr11:119,298,524, plus strand): 5'-CCGCCGAACTCTCTCAGATATCTCTAATGCCAGCTCCTCCTTTGGCTGGTTGTCTCTGGA[T>G]GGTGATCCTACAACAAGTGAGTCTCCAGACTACTTTGGGTTTGTCCTGAATGGCAGTGTG-3'
Protein context (NP_005179.2, residues 796-816): ASSSFGWLSL[Asp806Glu]GDPTTNVTEG

ClinVar aggregate classification (germline): Uncertain significance (1 of 4 stars; one submission).

Conditions:
RASopathy. Also called: Noonan spectrum disorder; rasopathies. Identifiers: Orphanet 536391, MedGen C5555857, MONDO:0021060.

Submission:

Labcorp Genetics (formerly Invitae), Labcorp
Classification: Uncertain significance for RASopathy. Last evaluated: 2024-07-27. Review status: criteria provided, single submitter. Criteria: Invitae Variant Classification Sherloc (09022015). Collection method: clinical testing. Allele origin: germline.
Comment: This sequence change replaces aspartic acid, which is acidic and polar, with glutamic acid, which is acidic and polar, at codon 806 of the CBL protein (p.Asp806Glu). This variant is not present in population databases (gnomAD no frequency). This variant has not been reported in the literature in individuals affected with CBL-related conditions. Advanced modeling of protein sequence and biophysical properties (such as structural, functional, and spatial information, amino acid conservation, physicochemical variation, residue mobility, and thermodynamic stability) performed at Invitae indicates that this missense variant is not expected to disrupt CBL protein function with a negative predictive value of 95%. In summary, the available evidence is currently insufficient to determine the role of this variant in disease. Therefore, it has been classified as a Variant of Uncertain Significance.